The following is an entry in ClinVar:

NM_012434.5(SLC17A5):c.360del (p.Ile121fs)

Gene: SLC17A5 (solute carrier family 17 member 5; minus strand). Cytogenetic location: 6q13.
Variant type: Deletion.
Coding change: c.360del on transcript NM_012434.5 (MANE Select); coding-DNA position 360, one base deleted (C; older notation c.360delC).
Protein change: p.Ile121fs; shifts the reading frame from isoleucine 121.
Molecular consequence: frameshift variant.
Genome position (GRCh38, 1-based): chr6:73,641,856, G deleted on the plus strand (C on the coding strand, the reverse complement: SLC17A5 is on the minus strand). VCF-style (leftmost placement, unchanged base first): chr6-73641855-TG-T. GRCh37 (hg19) VCF-style: chr6-74351578-TG-T.
Other names: c.129del, p.Ile44fs (NM_001382629.1, NM_001382636.1); c.360del, p.Ile121fs (NM_001382630.1, NM_001382632.1, NM_001382633.1 and 2 more transcripts); c.381del, p.Ile128fs (NM_001382631.1); short protein forms I121fs, I128fs, I44fs.
Identifiers: ClinVar variation 5012416 (VCV005012416.1).
Genomic context (GRCh38, chr6:73,641,855, plus strand): 5'-ATCCTAGCAGCATTTTCCCCCCTATTTTGCTGGCAACATATCCTCCAGGAATCTGTGTGA[TG>T]ATGTAGCCATAAAAAAAGGAACCGAGAATCCATCCTTGAGTTTCTGCATCCCATTGGTAC-3'

ClinVar aggregate classification (germline): Pathogenic (1 of 4 stars; one submission).

Conditions:
Sialic acid storage disease, severe infantile type (ISSD). Also called: N-ACETYLNEURAMINIC ACID STORAGE DISEASE; NANA STORAGE DISEASE; INFANTILE SIALIC ACID STORAGE DISORDER; SIALURIA, INFANTILE FORM; Infantile Sialic Acid Storage Disease; Free sialic acid storage disease, infantile form. Identifiers: Orphanet 309324, Orphanet 834, MedGen C1096902, MONDO:0010027, OMIM 269920.

Submission:

Myriad Genetics, Inc.
Classification: Pathogenic for Sialic acid storage disease, severe infantile type. Last evaluated: 2023-10-22. Review status: criteria provided, single submitter. Criteria: Myriad Autosomal Dominant, Autosomal Recessive and X-Linked Classification Criteria (2023). Collection method: clinical testing. Allele origin: unknown.
Comment: NM_012434.4(SLC17A5):c.360delC(I121Sfs*13) is expected to be pathogenic in the context of free sialic acid storage disorders. This variant is predicted to lead to an abnormal or absent protein product due to the creation of a premature termination codon in SLC17A5, a gene where loss-of-function variants are known to be pathogenic. Please note: this variant was assessed in the context of healthy population screening.